The following is an entry in ClinVar:

NM_001128225.3(SLC39A13):c.1059G>T (p.Leu353=)

Gene: SLC39A13 (solute carrier family 39 member 13; plus strand). Cytogenetic location: 11p11.2.
Variant type: single nucleotide variant.
Coding change: c.1059G>T on transcript NM_001128225.3 (MANE Select); coding-DNA position 1059, G replaced by T.
Protein change: p.Leu353=; no amino-acid change (leucine 353 retained).
Molecular consequence: synonymous variant. On other transcripts: 3 prime UTR variant (1), non-coding transcript variant (1).
Genome position (GRCh38, 1-based): chr11:47,415,306, G>T. VCF-style: chr11-47415306-G-T. GRCh37 (hg19) VCF-style: chr11-47436857-G-T.
Other names: c.*56G>T (NM_001330245.2); c.1038G>T, p.Leu346= (NM_152264.5).
Identifiers: ClinVar variation 391850 (VCV000391850.1), dbSNP rs1057524263, ClinGen allele CA16606946.

ClinVar aggregate classification (germline): Likely benign (1 of 4 stars; one submission).

Allele frequency attached by ClinVar (database versions not stated): gnomAD exomes below 0.00001 and 0.00001.
gnomAD v4.1: 5 of 1,614,056 alleles (0.00031%); highest among the groups gnomAD compares: East Asian, 0.0022%; no homozygotes.

Submission:

GeneDx
Classification: Likely benign. Last evaluated: 2016-12-19. Review status: criteria provided, single submitter. Criteria: GeneDx Variant Classification (06012015). Collection method: clinical testing. Allele origin: germline. Affected: yes.
Comment: This variant is considered likely benign or benign based on one or more of the following criteria: it is a conservative change, it occurs at a poorly conserved position in the protein, it is predicted to be benign by multiple in silico algorithms, and/or has population frequency not consistent with disease.